The following is an entry in ClinVar:

ClinVar aggregate classification (germline): Pathogenic/Likely pathogenic. Review status: criteria provided, multiple submitters, no conflicts (2 of 4 stars). 12 submissions from 10 submitters: Pathogenic (5); Likely pathogenic (6). 1 of the submissions does not count toward it. Last evaluated 2026-02-02.

Conditions:
Hypertrophic cardiomyopathy 2. Also called: TNNT2-Related Familial Hypertrophic Cardiomyopathy. Identifiers: MedGen C1861864, MONDO:0007266, OMIM 115195.
Cardiomyopathy, familial restrictive, 3. Identifiers: Orphanet 75249, MedGen C2676271, MONDO:0012900, OMIM 612422.
Dilated cardiomyopathy 1D. Identifiers: Orphanet 154, Orphanet 54260, MedGen C1832243, MONDO:0011095, OMIM 601494.
Primary dilated cardiomyopathy (DCM). Also called: Dilated Cardiomyopathy. Identifiers: Orphanet 217604, MedGen C0007193, MeSH D002311, MONDO:0005021, HP:0001644. Inheritance: Various modes of inheritance.
TNNT2-related disorder. Also called: TNNT2-related condition.
Cardiovascular phenotype. Identifiers: MedGen CN230736.

Submissions (12):

Labcorp Genetics (formerly Invitae), Labcorp
Classification: Pathogenic for Cardiomyopathy, familial restrictive, 3; Hypertrophic cardiomyopathy 2; Dilated cardiomyopathy 1D. Last evaluated: 2026-02-02. Review status: criteria provided, single submitter. Criteria: Invitae Variant Classification Sherloc (09022015). Collection method: clinical testing. Allele origin: germline.
Comment: This sequence change replaces arginine, which is basic and polar, with glutamine, which is neutral and polar, at codon 173 of the TNNT2 protein (p.Arg173Gln). This variant is not present in population databases (gnomAD no frequency). This missense change has been observed in individuals with dilated cardiomyopathy (PMID: 19324435, 22464770, 28669108). It has also been observed to segregate with disease in related individuals. ClinVar contains an entry for this variant (Variation ID: 43649). Invitae Evidence Modeling of protein sequence and biophysical properties (such as structural, functional, and spatial information, amino acid conservation, physicochemical variation, residue mobility, and thermodynamic stability) indicates that this missense variant is not expected to disrupt TNNT2 protein function with a negative predictive value of 80%. This variant disrupts the p.Arg173 amino acid residue in TNNT2. Other variant(s) that disrupt this residue have been determined to be pathogenic (PMID: 24119082). This suggests that this residue is clinically significant, and that variants that disrupt this residue are likely to be disease-causing. For these reasons, this variant has been classified as Pathogenic.

Ambry Genetics
Classification: Pathogenic for Cardiovascular phenotype. Last evaluated: 2024-12-30. Review status: criteria provided, single submitter. Criteria: Ambry Variant Classification Scheme 2023. Collection method: clinical testing. Allele origin: germline.
Comment: The p.R173Q pathogenic mutation (also known as c.518G>A), located in coding exon 10 of the TNNT2 gene, results from a G to A substitution at nucleotide position 518. The arginine at codon 173 is replaced by glutamine, an amino acid with highly similar properties. This variant was reported in individual(s) with features consistent with dilated cardiomyopathy (DCM), and segregated with disease in at least one family (Van Acker H et al. Int. J. Cardiol., 2010 Oct;144:307-9; Lakdawala NK et al. J. Card. Fail., 2012 Apr;18:296-303; Chauveau S et al. Clin Case Rep, 2017 Jun;5:923-926; Fernlund E et al. Pediatr Cardiol, 2017 Aug;38:1262-1268). This amino acid position is well conserved in available vertebrate species. In addition, this alteration is predicted to be deleterious by in silico analysis. This variant is considered to be rare based on population cohorts in the Genome Aggregation Database (gnomAD). Based on the supporting evidence, this variant is interpreted as a disease-causing mutation.

Blueprint Genetics
Classification: Pathogenic for TNNT2-related disorders. Last evaluated: 2023-11-21. Review status: criteria provided, single submitter. Criteria: ACMG Guidelines, 2015. Collection method: clinical testing. Allele origin: germline. Affected: yes. Observed: 1 variant allele.

Genome-Nilou Lab
Classification: Likely pathogenic for Dilated cardiomyopathy 1D. Last evaluated: 2023-04-11. Review status: criteria provided, single submitter. Criteria: ACMG Guidelines, 2015. Collection method: clinical testing. Allele origin: germline. Affected: no.

Genome-Nilou Lab
Classification: Likely pathogenic for Cardiomyopathy, familial restrictive, 3. Last evaluated: 2023-04-11. Review status: criteria provided, single submitter. Criteria: ACMG Guidelines, 2015. Collection method: clinical testing. Allele origin: germline. Affected: no.

Genome-Nilou Lab
Classification: Likely pathogenic for Hypertrophic cardiomyopathy 2. Last evaluated: 2023-04-11. Review status: criteria provided, single submitter. Criteria: ACMG Guidelines, 2015. Collection method: clinical testing. Allele origin: germline. Affected: no.

GeneDx
Classification: Pathogenic. Last evaluated: 2021-12-08. Review status: criteria provided, single submitter. Criteria: GeneDx Variant Classification Process June 2021. Collection method: clinical testing. Allele origin: germline. Affected: yes.
Comment: Not observed in large population cohorts (Lek et al., 2016); In silico analysis supports that this missense variant has a deleterious effect on protein structure/function; Reported in ClinVar (ClinVar Variant ID# 43649; Landrum et al., 2016); This variant is associated with the following publications: (PMID: 22464770, 25163546, 19324435, 28588840, 28669108, 29367539, 33019804)

Laboratory for Molecular Medicine, Mass General Brigham Personalized Medicine
Classification: Likely pathogenic for Primary dilated cardiomyopathy. Last evaluated: 2018-10-10. Review status: criteria provided, single submitter. Criteria: LMM Criteria. Collection method: clinical testing. Allele origin: germline. Inheritance: Autosomal dominant inheritance. Observed: 3 variant alleles.
Comment: The p.Arg173Gln variant in TNNT2 has been identified 3 individuals with DCM (1 w ith infantile onset and 1 with prenatal onset ) and segregated with disease in 6 affected relatives with varying ages of onset from 2 families (Van Acker 2009, Ferlund 2017, LMM data). It was absent from large population studies. Computatio nal prediction tools and conservation analysis are consistent with pathogenicity . Two additional variants involving this codon (p.Arg173Gly and p.Arg173Trp) hav e been identified in individuals with DCM, and p.Arg173Trp is classified as path ogenic by this laboratory. In summary, although additional studies are required to fully establish its clinical significance, this variant meets criteria to be classified as likely pathogenic for autosomal dominant DCM. ACMG/AMP criteria ap plied: PM2, PM5, PP1_Moderate, PP3, PS4_Supporting.

Molecular Diagnostic Laboratory for Inherited Cardiovascular Disease, Montreal Heart Institute
Classification: Likely pathogenic. Last evaluated: 2017-06-05. Review status: criteria provided, single submitter. Criteria: ACMG Guidelines, 2015. Collection method: clinical testing. Allele origin: germline. Affected: yes.

Stanford Center for Inherited Cardiovascular Disease, Stanford University
Classification: Likely pathogenic. Last evaluated: 2011-12-29. Review status: criteria provided, single submitter. Criteria: ACMG Guidelines, 2015. Collection method: provider interpretation. Allele origin: germline.

Clinical Genetics Service, Universitary Hospital 12 de Octubre
Classification: Pathogenic for Hypertrophic cardiomyopathy 2. Review status: criteria provided, single submitter. Criteria: ACMG Guidelines, 2015. Collection method: clinical testing. Allele origin: germline. Affected: yes.

KTest Genetics, KTest
Classification: Pathogenic for Dilated cardiomyopathy 1D. Review status: no assertion criteria provided. Criteria: ACMG Guidelines, 2015. Collection method: clinical testing. Allele origin: germline. Affected: yes. Not counted in ClinVar's aggregate classification.

Literature cited by the submitters: PubMed 19324435 (cited by 3 submitters); PubMed 22464770 (cited by 3 submitters); PubMed 28669108 (cited by 3 submitters); PubMed 24119082 (cited by Labcorp Genetics (formerly Invitae), Labcorp); PubMed 22517884 (cited by Ambry Genetics); PubMed 24205113 (cited by Ambry Genetics); PubMed 28588840 (cited by Ambry Genetics); PubMed 29367539 (cited by Laboratory for Molecular Medicine, Mass General Brigham Personalized Medicine).

NM_001276345.2(TNNT2):c.548G>A (p.Arg183Gln)

Gene: TNNT2 (troponin T2, cardiac type; minus strand). Cytogenetic location: 1q32.1.
Variant type: single nucleotide variant.
Coding change: c.548G>A on transcript NM_001276345.2 (MANE Select); coding-DNA position 548, G replaced by A.
Protein change: p.Arg183Gln; replaces arginine 183 with glutamine.
Molecular consequence: missense variant.
Genome position (GRCh38, 1-based): chr1:201,363,348, C>T on the plus strand (G>A on the coding strand, the complement: TNNT2 is on the minus strand). VCF-style: chr1-201363348-C-T. GRCh37 (hg19) VCF-style: chr1-201332476-C-T.
Other names: p.R173Q:CGG>CAG; c.548G>A, p.Arg183Gln (NM_000364.4); c.518G>A, p.Arg173Gln (NM_001001430.3, NM_001001431.3, NM_001276347.2); c.503G>A, p.Arg168Gln (NM_001001432.3); c.428G>A, p.Arg143Gln (NM_001276346.2); short protein forms R173Q, R183Q, R143Q, R168Q.
Identifiers: ClinVar variation 43649 (VCV000043649.28), dbSNP rs397516471, ClinGen allele CA004727.
Genomic context (GRCh38, chr1:201,363,348, plus strand): 5'-CTACCTACCTTCTGGATGTAACCCCCAAAATGCATCATGTTGGACAAAGCCTTCTTCTTC[C>T]GGGCCTCATCCTCAGCCTTCCTCCTGTTCTCCTCCTCCTCTCGTCGAGCCCTCTCTTCCT-3'
Protein context (NP_001263274.1, residues 173-193): ENRRKAEDEA[Arg183Gln]KKKALSNMMH